The following is an entry in ClinVar:

NM_001371986.1(UNC80):c.7921G>T (p.Ala2641Ser)

Gene: UNC80 (unc-80 homolog, NALCN channel complex subunit; plus strand). Cytogenetic location: 2q34.
Variant type: single nucleotide variant.
Coding change: c.7921G>T on transcript NM_001371986.1 (MANE Select); coding-DNA position 7921, G replaced by T.
Protein change: p.Ala2641Ser; replaces alanine 2641 with serine.
Molecular consequence: missense variant.
Genome position (GRCh38, 1-based): chr2:209,967,552, G>T. VCF-style: chr2-209967552-G-T. GRCh37 (hg19) VCF-style: chr2-210832276-G-T.
Other names: c.7723G>T, p.Ala2575Ser (NM_032504.2); c.7708G>T, p.Ala2570Ser (NM_182587.4); short protein forms A2570S, A2641S, A2575S.
Identifiers: ClinVar variation 1515723 (VCV001515723.4), dbSNP rs1214117176, ClinGen allele CA350777345.

ClinVar aggregate classification (germline): Uncertain significance (1 of 4 stars; one submission).

Allele frequency attached by ClinVar (database versions not stated): gnomAD exomes below 0.00001 and 0.00001.
gnomAD v4.1: 1 of 1,551,674 alleles (0.000064%); highest among the groups gnomAD compares: Admixed American, 0.002%; no homozygotes.

Submission:

Labcorp Genetics (formerly Invitae), Labcorp
Classification: Uncertain significance. Last evaluated: 2021-08-20. Review status: criteria provided, single submitter. Criteria: Invitae Variant Classification Sherloc (09022015). Collection method: clinical testing. Allele origin: germline.
Comment: This variant is not present in population databases (ExAC no frequency). This variant has not been reported in the literature in individuals affected with UNC80-related conditions. Algorithms developed to predict the effect of missense changes on protein structure and function are either unavailable or do not agree on the potential impact of this missense change (SIFT: "Not Available"; PolyPhen-2: "Benign"; Align-GVGD: "Not Available"). In summary, the available evidence is currently insufficient to determine the role of this variant in disease. Therefore, it has been classified as a Variant of Uncertain Significance. This sequence change replaces alanine with serine at codon 2575 of the UNC80 protein (p.Ala2575Ser). The alanine residue is weakly conserved and there is a moderate physicochemical difference between alanine and serine.